The following is an entry in ClinVar:

NM_018083.5(ZNF358):c.1227T>G (p.Ala409=)

Gene: ZNF358 (zinc finger protein 358; plus strand). Cytogenetic location: 19p13.2.
Variant type: single nucleotide variant.
Coding change: c.1227T>G on transcript NM_018083.5 (MANE Select); coding-DNA position 1227, T replaced by G.
Protein change: p.Ala409=; no amino-acid change (alanine 409 retained).
Molecular consequence: synonymous variant.
Genome position (GRCh38, 1-based): chr19:7,520,469, T>G. VCF-style: chr19-7520469-T-G. GRCh37 (hg19) VCF-style: chr19-7585355-T-G.
Identifiers: ClinVar variation 4821459 (VCV004821459.4).

ClinVar aggregate classification (germline): Likely benign (1 of 4 stars; one submission).

gnomAD v4.1: 100 of 755,976 alleles (0.013%); highest among the groups gnomAD compares: Non-Finnish European, 0.016%; no homozygotes.

Submission:

CeGaT Center for Human Genetics Tuebingen
Classification: Likely benign. Last evaluated: 2026-03-01. Review status: criteria provided, single submitter. Criteria: CeGaT Center For Human Genetics Tuebingen Variant Classification Criteria Version 2. Collection method: clinical testing. Allele origin: germline. Affected: yes. Observed: 1 variant allele.
Comment: ZNF358: BP4, BP7